The following is an entry in ClinVar:

NM_016507.4(CDK12):c.3041C>G (p.Thr1014Ser)

Gene: CDK12 (cyclin dependent kinase 12; plus strand). Cytogenetic location: 17q12.
Variant type: single nucleotide variant.
Coding change: c.3041C>G on transcript NM_016507.4 (MANE Select); coding-DNA position 3041, C replaced by G.
Protein change: p.Thr1014Ser; replaces threonine 1014 with serine.
Molecular consequence: missense variant.
Genome position (GRCh38, 1-based): chr17:39,520,033, C>G. VCF-style: chr17-39520033-C-G. GRCh37 (hg19) VCF-style: chr17-37676286-C-G.
Other names: c.3041C>G, p.Thr1014Ser (NM_015083.4); short protein forms T1014S.
Identifiers: ClinVar variation 4224255 (VCV004224255.1).

ClinVar aggregate classification (germline): Uncertain significance (1 of 4 stars; one submission).

Submission:

Ambry Genetics
Classification: Uncertain significance. Last evaluated: 2025-07-03. Review status: criteria provided, single submitter. Criteria: Ambry Variant Classification Scheme 2023. Collection method: clinical testing. Allele origin: germline.
Comment: The p.T1014S variant (also known as c.3041C>G), located in coding exon 11 of the CDK12 gene, results from a C to G substitution at nucleotide position 3041. The threonine at codon 1014 is replaced by serine, an amino acid with similar properties. This amino acid position is conserved. In addition, this alteration is predicted to be tolerated by in silico analysis. Based on the available evidence, the clinical significance of this variant remains unclear.